The following is an entry in ClinVar:

NM_000352.6(ABCC8):c.4513G>A (p.Asp1505Asn)

Gene: ABCC8 (ATP binding cassette subfamily C member 8; minus strand). Cytogenetic location: 11p15.1.
Variant type: single nucleotide variant.
Coding change: c.4513G>A on transcript NM_000352.6 (MANE Select); coding-DNA position 4513, G replaced by A.
Protein change: p.Asp1505Asn; replaces aspartic acid 1505 with asparagine.
Molecular consequence: missense variant. On other transcripts: non-coding transcript variant (1).
Genome position (GRCh38, 1-based): chr11:17,394,298, C>T on the plus strand (G>A on the coding strand, the complement: ABCC8 is on the minus strand). VCF-style: chr11-17394298-C-T. GRCh37 (hg19) VCF-style: chr11-17415845-C-T.
Other names: c.4516G>A, p.Asp1506Asn (NM_001287174.3); c.4579G>A, p.Asp1527Asn (NM_001351295.2); c.4513G>A, p.Asp1505Asn (NM_001351296.2); c.4510G>A, p.Asp1504Asn (NM_001351297.2); short protein forms D1504N, D1505N, D1506N, D1527N.
Identifiers: ClinVar variation 1338556 (VCV001338556.4), dbSNP rs2133394860, ClinGen allele CA379782868.
Genomic context (GRCh38, chr11:17,394,298, plus strand): 5'-TGGTCCCATGGAGGGGCCCAGGACCAACCGTGGCCATGTCAATGGAAGCCGTGGCCTCGT[C>T]CATGATGAAGATGCTGGTCTTCCTCACGAAGGCCCGGGCCAGGCAGAACAGCTGCCTCTG-3'
Protein context (NP_000343.2, residues 1495-1515): FVRKTSIFIM[Asp1505Asn]EATASIDMAT

ClinVar aggregate classification (germline): Likely pathogenic (1 of 4 stars; one submission).

Submission:

Genetic Services Laboratory, University of Chicago
Classification: Likely pathogenic. Last evaluated: 2019-11-14. Review status: criteria provided, single submitter. Criteria: ACMG Guidelines, 2015. Collection method: clinical testing. Allele origin: germline. Affected: yes.
Comment: DNA sequence analysis of the ABCC8 gene demonstrated a sequence change, c.4513G>A, in exon 37 that results in an amino acid change, p.Asp1505Asn. This sequence change has not been reported in large population databases (ExAC, gnomAD). The p.Asp1505Asn change affects a highly conserved amino acid residue located in a domain of the SUR1 protein that is known to be functional (PMID: 26092864). The p.Asp1505Asn substitution appears to be deleterious using several in-silico pathogenicity prediction tools (SIFT, PolyPhen2, Mutation Taster, REVEL). This particular amino acid change does not appear to have been described in the literature in other patients with ABCC8 related disorders, however, pathogenic sequence changes affecting the same amino acid residue (p.Asp1505Glu, p.Asp1505His) have been reported in patients with diazoxide unresponsive hyperinsulinism (PMID: 20685672; PMID: 20573158; PMID: 25008049)." DNA sequence analysis of the ABCC8 gene demonstrated a sequence change, c.4513G>A, in exon 37 that results in an amino acid change, p.Asp1505Asn. This sequence change has not been reported in large population databases (ExAC, gnomAD). The p.Asp1505Asn change affects a highly conserved amino acid residue located in a domain of the SUR1 protein that is known to be functional (PMID: 26092864). The p.Asp1505Asn substitution appears to be deleterious using several in-silico pathogenicity prediction tools (SIFT, PolyPhen2, Mutation Taster, REVEL). This particular amino acid change does not appear to have been described in the literature in other patients with ABCC8 related disorders, however, pathogenic sequence changes affecting the same amino acid residue (p.Asp1505Glu, p.Asp1505His) have been reported in patients with diazoxide unresponsive hyperinsulinism (PMID: 20685672; PMID: 20573158; PMID: 25008049).